The following is an entry in ClinVar:

ClinVar aggregate classification (germline): Uncertain significance (1 of 4 stars; one submission).

Conditions:
Microcephaly, normal intelligence and immunodeficiency (NBS). Also called: Immunodeficiency, microcephaly with normal intelligence; Ataxia telangiectasia variant V1; IMMUNODEFICIENCY, MICROCEPHALY, AND CHROMOSOMAL INSTABILITY; BERLIN BREAKAGE SYNDROME; SEEMANOVA SYNDROME II; Nijmegen breakage syndrome. Identifiers: Orphanet 647, MedGen C0398791, MONDO:0009623, OMIM 251260.

Submission:

Labcorp Genetics (formerly Invitae), Labcorp
Classification: Uncertain significance for Microcephaly, normal intelligence and immunodeficiency. Last evaluated: 2022-06-13. Review status: criteria provided, single submitter. Criteria: Invitae Variant Classification Sherloc (09022015). Collection method: clinical testing. Allele origin: germline.
Comment: This variant has not been reported in the literature in individuals affected with NBN-related conditions. This variant is not present in population databases (gnomAD no frequency). This sequence change replaces tyrosine, which is neutral and polar, with aspartic acid, which is acidic and polar, at codon 322 of the NBN protein (p.Tyr322Asp). ClinVar contains an entry for this variant (Variation ID: 530755). In summary, the available evidence is currently insufficient to determine the role of this variant in disease. Therefore, it has been classified as a Variant of Uncertain Significance. Algorithms developed to predict the effect of missense changes on protein structure and function are either unavailable or do not agree on the potential impact of this missense change (SIFT: "Tolerated"; PolyPhen-2: "Probably Damaging"; Align-GVGD: "Class C0").

NM_002485.5(NBN):c.964T>G (p.Tyr322Asp)

Gene: NBN (nibrin; minus strand). Cytogenetic location: 8q21.3.
Variant type: single nucleotide variant.
Coding change: c.964T>G on transcript NM_002485.5 (MANE Select); coding-DNA position 964, T replaced by G.
Protein change: p.Tyr322Asp; replaces tyrosine 322 with aspartic acid.
Molecular consequence: missense variant.
Genome position (GRCh38, 1-based): chr8:89,964,440, A>C on the plus strand (T>G on the coding strand, the complement: NBN is on the minus strand). VCF-style: chr8-89964440-A-C. GRCh37 (hg19) VCF-style: chr8-90976668-A-C.
Other names: c.718T>G, p.Tyr240Asp (NM_001024688.3); short protein forms Y322D, Y240D.
Identifiers: ClinVar variation 530755 (VCV000530755.8), dbSNP rs1554562123, ClinGen allele CA371656928.
Genomic context (GRCh38, chr8:89,964,440, plus strand): 5'-AACGAATCAATAAAATAATGCTTCAATTACCTGTACTGGGATGGCCCTGAGGATCACAGT[A>C]ATTCTTTGTAGTCATGAAAATCACCGCCAATCCAATTTCTGCTTCAGGAATAGGTCTAAG-3'
Protein context (NP_002476.2, residues 312-332): LAVIFMTTKN[Tyr322Asp]CDPQGHPSTG